The following is an entry in ClinVar:

NM_005188.4(CBL):c.2262T>G (p.Asn754Lys)

Gene: CBL (Cbl proto-oncogene; plus strand). Cytogenetic location: 11q23.3.
Variant type: single nucleotide variant.
Coding change: c.2262T>G on transcript NM_005188.4 (MANE Select); coding-DNA position 2262, T replaced by G.
Protein change: p.Asn754Lys; replaces asparagine 754 with lysine.
Molecular consequence: missense variant.
Genome position (GRCh38, 1-based): chr11:119,298,368, T>G. VCF-style: chr11-119298368-T-G. GRCh37 (hg19) VCF-style: chr11-119169078-T-G.
Other names: c.2262T>G (NM_005188.2); short protein forms N754K.
Identifiers: ClinVar variation 1210057 (VCV001210057.13), dbSNP rs148139669, ClinGen allele CA6318739.
Genomic context (GRCh38, chr11:119,298,368, plus strand): 5'-TAGAAGATGAAGTGCGTCAGAAGAAGATAACATCACTCATTTTTCTCCAGGTGAAGGGAA[T>G]TTGGCCGCAGCCCATGCCAACACTGGTCCCGAGGAGTCAGAAAATGAGGATGATGGGTAT-3'
Protein context (NP_005179.2, residues 744-764): ITESSTFGEG[Asn754Lys]LAAAHANTGP

ClinVar aggregate classification (germline): Conflicting classifications of pathogenicity. Review status: criteria provided, conflicting classifications (1 of 4 stars). 5 submissions from 5 submitters: Uncertain significance (2); Likely benign (1). 2 of the submissions do not count toward it. Last evaluated 2025-12-15.

Conditions:
Cardiovascular phenotype. Identifiers: MedGen CN230736.
RASopathy. Also called: Noonan spectrum disorder; rasopathies. Identifiers: Orphanet 536391, MedGen C5555857, MONDO:0021060.

Allele frequency attached by ClinVar (database versions not stated): ExAC 0.00002; gnomAD exomes 0.00004 and 0.00006; gnomAD 0.00005 and 0.00006; TOPMed 0.00005.
gnomAD v4.1: 93 of 1,613,996 alleles (0.0058%); highest among the groups gnomAD compares: Non-Finnish European, 0.0076%; no homozygotes.

Submissions (5):

Labcorp Genetics (formerly Invitae), Labcorp
Classification: Uncertain significance for RASopathy. Last evaluated: 2025-12-15. Review status: criteria provided, single submitter. Criteria: Invitae Variant Classification Sherloc (09022015). Collection method: clinical testing. Allele origin: germline.
Comment: This sequence change replaces asparagine, which is neutral and polar, with lysine, which is basic and polar, at codon 754 of the CBL protein (p.Asn754Lys). This variant is present in population databases (rs148139669, gnomAD 0.009%). This variant has not been reported in the literature in individuals affected with CBL-related conditions. ClinVar contains an entry for this variant (Variation ID: 1210057). Invitae Evidence Modeling of protein sequence and biophysical properties (such as structural, functional, and spatial information, amino acid conservation, physicochemical variation, residue mobility, and thermodynamic stability) indicates that this missense variant is not expected to disrupt CBL protein function with a negative predictive value of 95%. In summary, the available evidence is currently insufficient to determine the role of this variant in disease. Therefore, it has been classified as a Variant of Uncertain Significance.

Ambry Genetics
Classification: Uncertain significance for Cardiovascular phenotype. Last evaluated: 2025-07-15. Review status: criteria provided, single submitter. Criteria: Ambry Variant Classification Scheme 2023. Collection method: clinical testing. Allele origin: germline.
Comment: The p.N754K variant (also known as c.2262T>G), located in coding exon 15 of the CBL gene, results from a T to G substitution at nucleotide position 2262. The asparagine at codon 754 is replaced by lysine, an amino acid with similar properties. This amino acid position is conserved. In addition, this alteration is predicted to be tolerated by in silico analysis. Since supporting evidence is limited at this time, the clinical significance of this alteration remains unclear.

Blueprint Genetics
Classification: Likely benign. Last evaluated: 2024-11-25. Review status: criteria provided, single submitter. Criteria: ACMG Guidelines, 2015. Collection method: clinical testing. Allele origin: germline.

Genome Diagnostics Laboratory, Amsterdam University Medical Center
Classification: Likely benign. Review status: no assertion criteria provided. Collection method: clinical testing. Allele origin: germline. Affected: yes. Study: VKGL Data-share Consensus. Not counted in ClinVar's aggregate classification.

Genome Diagnostics Laboratory, University Medical Center Utrecht
Classification: Likely benign. Review status: no assertion criteria provided. Collection method: clinical testing. Allele origin: germline. Affected: yes. Study: VKGL Data-share Consensus. Not counted in ClinVar's aggregate classification.